The following is an entry in ClinVar:

ClinVar aggregate classification (germline): Uncertain significance (1 of 4 stars; one submission).

Conditions:
Myofibrillar myopathy 4. Also called: Zaspopathy (type). Identifiers: Orphanet 98912, MedGen C4721886, MONDO:0012277, OMIM 609452.

Allele frequency attached by ClinVar (database versions not stated): gnomAD 0.00001 and 0.00002; TOPMed 0.00001.
gnomAD v4.1: 2 of 1,614,088 alleles (0.00012%); highest among the groups gnomAD compares: African/African-American, 0.0027%; no homozygotes.

Submission:

Labcorp Genetics (formerly Invitae), Labcorp
Classification: Uncertain significance for Myofibrillar myopathy 4. Last evaluated: 2026-01-14. Review status: criteria provided, single submitter. Criteria: Invitae Variant Classification Sherloc (09022015). Collection method: clinical testing. Allele origin: germline.
Comment: This sequence change replaces proline, which is neutral and non-polar, with leucine, which is neutral and non-polar, at codon 137 of the LDB3 protein (p.Pro137Leu). This variant is present in population databases (no rsID available, gnomAD 0.01%). This variant has not been reported in the literature in individuals affected with LDB3-related conditions. ClinVar contains an entry for this variant (Variation ID: 1373060). An algorithm developed to predict the effect of missense changes on protein structure and function (PolyPhen-2) suggests that this variant is likely to be tolerated. In summary, the available evidence is currently insufficient to determine the role of this variant in disease. Therefore, it has been classified as a Variant of Uncertain Significance.

NM_001368067.1(LDB3):c.410C>T (p.Pro137Leu)

Genes: LDB3 (LIM domain binding 3; plus strand), LOC110121486 (VISTA enhancer hs2143; plus strand). Cytogenetic location: 10q23.2.
Variant type: single nucleotide variant.
Coding change: c.410C>T on transcript NM_001368067.1 (MANE Plus Clinical); coding-DNA position 410, C replaced by T.
Protein change: p.Pro137Leu; replaces proline 137 with leucine.
Molecular consequence: missense variant. On other transcripts: intron variant (5).
Genome position (GRCh38, 1-based): chr10:86,687,134, C>T. VCF-style: chr10-86687134-C-T. GRCh37 (hg19) VCF-style: chr10-88446891-C-T.
Other names: c.410C>T, p.Pro137Leu (NM_001080114.2, NM_001080116.1, NM_001368066.1 and 1 more transcripts); c.755C>T, p.Pro252Leu (NM_001171610.2, NM_001171611.2); c.690-4762C>T (NM_001368064.1, NM_001368063.1, NM_007078.3 and 2 more transcripts); short protein forms P137L, P252L.
Identifiers: ClinVar variation 1373060 (VCV001373060.6), dbSNP rs938329394, ClinGen allele CA211181161.
Genomic context (GRCh38, chr10:86,687,134, plus strand): 5'-ACTACCAGGAACGCTTCAACCCCAGTGCCCTGAAGGACTCGGCCCTGTCCACCCACAAGC[C>T]CATCGAGGTGAAGGGGCTGGGCGGCAAGGCCACCATCATCCATGCGCAGTACAACACGCC-3'
Protein context (NP_001354996.1, residues 127-147): LKDSALSTHK[Pro137Leu]IEVKGLGGKA